The following is an entry in ClinVar:

NM_001162501.2(TNRC6B):c.2653C>T (p.Arg885Trp)

Gene: TNRC6B (trinucleotide repeat containing adaptor 6B; plus strand). Cytogenetic location: 22q13.1.
Variant type: single nucleotide variant.
Coding change: c.2653C>T on transcript NM_001162501.2 (MANE Select); coding-DNA position 2653, C replaced by T.
Protein change: p.Arg885Trp; replaces arginine 885 with tryptophan.
Molecular consequence: missense variant. On other transcripts: intron variant (1).
Genome position (GRCh38, 1-based): chr22:40,266,883, C>T. VCF-style: chr22-40266883-C-T. GRCh37 (hg19) VCF-style: chr22-40662887-C-T.
Other names: c.2653C>T, p.Arg885Trp (NM_015088.3); c.566-3239C>T (NM_001024843.2); short protein forms R885W.
Identifiers: ClinVar variation 4883775 (VCV004883775.2).

ClinVar aggregate classification (germline): Uncertain significance (1 of 4 stars; one submission).

Conditions:
Complex neurodevelopmental disorder. Identifiers: Orphanet 528084, MedGen C5568766, MONDO:0100038.

gnomAD v4.1: 7 of 1,613,818 alleles (0.00043%); highest among the groups gnomAD compares: African/African-American, 0.0013%; no homozygotes.

Submission:

Dasa
Classification: Uncertain significance for Complex neurodevelopmental disorder. Last evaluated: 2025-12-06. Review status: criteria provided, single submitter. Criteria: DASA Assertion Criteria. Collection method: clinical testing. Allele origin: germline.
Comment: NM_001162501.2(TNRC6B):c.2653C>T (p.Arg885Trp) is a missense variant that results in the substitution of arginine with tryptophan. This variant is rare in population databases. The currently available literature and clinical evidence are not sufficient to establish a definitive association between this variant and the reported condition. Therefore, this variant is classified as a variant of uncertain significance.